The following is an entry in ClinVar:

ClinVar aggregate classification (germline): Uncertain significance (1 of 4 stars; one submission).

Submission:

GeneDx
Classification: Uncertain significance. Last evaluated: 2025-04-24. Review status: criteria provided, single submitter. Criteria: GeneDx Variant Classification Process June 2021. Collection method: clinical testing. Allele origin: germline. Affected: yes.
Comment: Not observed at significant frequency in large population cohorts (gnomAD); In silico analysis supports that this missense variant has a deleterious effect on protein structure/function; Has not been previously published as pathogenic or benign to our knowledge

NM_001104631.2(PDE4D):c.968G>T (p.Ser323Ile)

Gene: PDE4D (phosphodiesterase 4D; minus strand). Cytogenetic location: 5q11.2.
Variant type: single nucleotide variant.
Coding change: c.968G>T on transcript NM_001104631.2 (MANE Select); coding-DNA position 968, G replaced by T.
Protein change: p.Ser323Ile; replaces serine 323 with isoleucine.
Molecular consequence: missense variant.
Genome position (GRCh38, 1-based): chr5:58,993,419, C>A on the plus strand (G>T on the coding strand, the complement: PDE4D is on the minus strand). VCF-style: chr5-58993419-C-A. GRCh37 (hg19) VCF-style: chr5-58289246-C-A.
Other names: c.785G>T, p.Ser262Ile (NM_001165899.2, NM_001364599.1); c.776G>T, p.Ser259Ile (NM_001197218.2); c.602G>T, p.Ser201Ile (NM_001197219.2); c.578G>T, p.Ser193Ile (NM_001197220.2); c.62G>T, p.Ser21Ile (NM_001197221.2, NM_001364603.1); c.296G>T, p.Ser99Ile (NM_001197222.2); c.95G>T, p.Ser32Ile (NM_001197223.2); c.755G>T, p.Ser252Ile (NM_001349241.2); and 3 more; short protein forms S187I, S193I, S201I, S213I, S21I, S252I, S259I, S262I.
Identifiers: ClinVar variation 4527588 (VCV004527588.1).